The following is an entry in ClinVar:

NM_000666.3(ACY1):c.437-19G>A

Genes: ABHD14A-ACY1 (ABHD14A-ACY1 readthrough; plus strand), ACY1 (aminoacylase 1; plus strand). Cytogenetic location: 3p21.2.
Variant type: single nucleotide variant.
Coding change: c.437-19G>A on transcript NM_000666.3 (MANE Select); 19 bases into the intron before coding-DNA position 437, G replaced by A.
Molecular consequence: intron variant.
Genome position (GRCh38, 1-based): chr3:51,986,396, G>A. VCF-style: chr3-51986396-G-A. GRCh37 (hg19) VCF-style: chr3-52020412-G-A.
Other names: c.707-19G>A (NM_001316331.2); c.437-19G>A (NM_001198897.2, NM_001198895.2); c.311-209G>A (NM_001198896.2); c.332-19G>A (NM_001198898.2).
Identifiers: ClinVar variation 1029931 (VCV001029931.7), dbSNP rs757575874, ClinGen allele CA2428487.

ClinVar aggregate classification (germline): Conflicting classifications of pathogenicity. Review status: criteria provided, conflicting classifications (1 of 4 stars). 4 submissions from 4 submitters: Uncertain significance (2); Likely benign (2). Last evaluated 2025-07-01.

Conditions:
Aminoacylase 1 deficiency. Also called: Neurological conditions associated with aminoacylase 1 deficiency. Identifiers: Orphanet 137754, MedGen C1835922, MONDO:0012368, OMIM 609924.

Allele frequency attached by ClinVar (database versions not stated): gnomAD 0.00007 and 0.00008; gnomAD exomes 0.00007 and 0.00010; TOPMed 0.00007; ExAC 0.00008.
gnomAD v4.1: 111 of 1,608,630 alleles (0.0069%); highest among the groups gnomAD compares: Middle Eastern, 0.033%; no homozygotes.

Submissions (4):

Labcorp Genetics (formerly Invitae), Labcorp
Classification: Likely benign. Last evaluated: 2025-07-01. Review status: criteria provided, single submitter. Criteria: Invitae Variant Classification Sherloc (09022015). Collection method: clinical testing. Allele origin: germline.

Blueprint Genetics
Classification: Likely benign. Last evaluated: 2024-07-22. Review status: criteria provided, single submitter. Criteria: ACMG Guidelines, 2015. Collection method: clinical testing. Allele origin: germline.

Baylor Genetics
Classification: Uncertain significance for Aminoacylase 1 deficiency. Last evaluated: 2020-06-03. Review status: criteria provided, single submitter. Criteria: ACMG Guidelines, 2015. Collection method: clinical testing. Allele origin: unknown. Affected: yes.
Comment: This variant was determined to be of uncertain significance according to ACMG Guidelines, 2015 [PMID:25741868].

Breakthrough Genomics
Classification: Uncertain significance. Review status: criteria provided, single submitter. Criteria: ACMG Guidelines, 2015. Collection method: not provided. Allele origin: germline. Inheritance: Autosomal recessive inheritance. Affected: yes.